The following is an entry in ClinVar:

NM_005732.4(RAD50):c.2585A>G (p.His862Arg)

Gene: RAD50 (RAD50 double strand break repair protein; plus strand). Cytogenetic location: 5q31.1.
Variant type: single nucleotide variant.
Coding change: c.2585A>G on transcript NM_005732.4 (MANE Select); coding-DNA position 2585, A replaced by G.
Protein change: p.His862Arg; replaces histidine 862 with arginine.
Molecular consequence: missense variant.
Genome position (GRCh38, 1-based): chr5:132,604,866, A>G. VCF-style: chr5-132604866-A-G. GRCh37 (hg19) VCF-style: chr5-131940558-A-G.
Other names: short protein forms H862R.
Identifiers: ClinVar variation 37383 (VCV000037383.17), dbSNP rs199802777, ClinGen allele CA130238.
Genomic context (GRCh38, chr5:132,604,866, plus strand): 5'-TTTCTAGTAAGATTGAATTGAATCGTAAGCTTATACAGGACCAGCAGGAACAGATTCAAC[A>G]TCTAAAAAGTACAACAAATGAGCTAAAATCTGAGAAACTTCAGATATCCACTAATTTGCA-3'
Protein context (NP_005723.2, residues 852-872): LIQDQQEQIQ[His862Arg]LKSTTNELKS

ClinVar aggregate classification (germline): Uncertain significance. Review status: criteria provided, multiple submitters, no conflicts (2 of 4 stars). 3 submissions from 3 submitters: Uncertain significance (3). Last evaluated 2024-04-16.

Conditions:
Hereditary cancer-predisposing syndrome. Also called: Tumor predisposition; Neoplastic Syndromes, Hereditary; Hereditary neoplastic syndrome; Hereditary Cancer Syndrome. Identifiers: Orphanet 140162, MedGen C0027672, MeSH D009386, MONDO:0015356.
Nijmegen breakage syndrome-like disorder (NBSLD). Also called: MICROCEPHALY AND SPONTANEOUS CHROMOSOME INSTABILITY WITHOUT IMMUNODEFICIENCY; NBS-LIKE DISORDER; RAD50 DEFICIENCY. Identifiers: Orphanet 240760, MedGen C2751318, MONDO:0013118, OMIM 613078.

Allele frequency attached by ClinVar (database versions not stated): gnomAD below 0.00001 and 0.00001; gnomAD exomes below 0.00001; TOPMed below 0.00001.
gnomAD v4.1: 7 of 1,613,706 alleles (0.00043%); highest among the groups gnomAD compares: South Asian, 0.0022%; no homozygotes.

Submissions (3):

Labcorp Genetics (formerly Invitae), Labcorp
Classification: Uncertain significance for Hereditary cancer-predisposing syndrome. Last evaluated: 2024-04-16. Review status: criteria provided, single submitter. Criteria: Invitae Variant Classification Sherloc (09022015). Collection method: clinical testing. Allele origin: germline.
Comment: This sequence change replaces histidine, which is basic and polar, with arginine, which is basic and polar, at codon 862 of the RAD50 protein (p.His862Arg). This variant is present in population databases (rs199802777, gnomAD 0.003%). This variant has not been reported in the literature in individuals affected with RAD50-related conditions. ClinVar contains an entry for this variant (Variation ID: 37383). Advanced modeling of protein sequence and biophysical properties (such as structural, functional, and spatial information, amino acid conservation, physicochemical variation, residue mobility, and thermodynamic stability) performed at Invitae indicates that this missense variant is not expected to disrupt RAD50 protein function with a negative predictive value of 80%. In summary, the available evidence is currently insufficient to determine the role of this variant in disease. Therefore, it has been classified as a Variant of Uncertain Significance.

Baylor Genetics
Classification: Uncertain significance for Nijmegen breakage syndrome-like disorder. Last evaluated: 2024-03-25. Review status: criteria provided, single submitter. Criteria: ACMG Guidelines, 2015. Collection method: clinical testing. Allele origin: unknown.

Ambry Genetics
Classification: Uncertain significance for Hereditary cancer-predisposing syndrome. Last evaluated: 2021-10-12. Review status: criteria provided, single submitter. Criteria: Ambry Variant Classification Scheme 2023. Collection method: clinical testing. Allele origin: germline.
Comment: The p.H862R variant (also known as c.2585A>G), located in coding exon 16 of the RAD50 gene, results from an A to G substitution at nucleotide position 2585. The histidine at codon 862 is replaced by arginine, an amino acid with highly similar properties. This amino acid position is poorly conserved in available vertebrate species. In addition, this alteration is predicted to be tolerated by in silico analysis. Since supporting evidence is limited at this time, the clinical significance of this alteration remains unclear.